The following is an entry in ClinVar:

NM_001142800.2(EYS):c.7540_7541del (p.Val2514fs)

Gene: EYS (EGF-like photoreceptor maintenance factor; minus strand). Cytogenetic location: 6q12.
Variant type: Deletion.
Coding change: c.7540_7541del on transcript NM_001142800.2 (MANE Select); coding-DNA positions 7540 to 7541, 2 bases deleted (GT; older notation c.7540_7541delGT).
Protein change: p.Val2514fs; shifts the reading frame from valine 2514.
Molecular consequence: frameshift variant.
Genome position (GRCh38, 1-based): chr6:63,789,095-63,789,096, AC deleted on the plus strand (GT on the coding strand, the reverse complement: EYS is on the minus strand); deleting any 2 consecutive bases within chr6:63,789,095-63,789,097 gives the same sequence; the c. name uses the placement nearest the transcript's 3' end. VCF-style (leftmost placement, unchanged base first): chr6-63789094-AAC-A. GRCh37 (hg19) VCF-style: chr6-64498987-AAC-A.
Other names: c.7540_7541del, p.Val2514fs (NM_001292009.2); short protein forms V2514fs.
Identifiers: ClinVar variation 1074625 (VCV001074625.9), dbSNP rs2149670871, ClinGen allele CA2499218436.

ClinVar aggregate classification (germline): Pathogenic/Likely pathogenic. Review status: criteria provided, multiple submitters, no conflicts (2 of 4 stars). 3 submissions from 3 submitters: Pathogenic (1); Likely pathogenic (2). Last evaluated 2024-03-20.

Conditions:
Retinitis pigmentosa 25 (RP25). Identifiers: Orphanet 791, MedGen C1864446, MONDO:0011272, OMIM 602772.

Submissions (3):

Revvity Omics, Revvity
Classification: Likely pathogenic for Retinitis pigmentosa 25. Last evaluated: 2024-03-20. Review status: criteria provided, single submitter. Criteria: ACMG Guidelines, 2015. Collection method: clinical testing. Allele origin: germline.

Baylor Genetics
Classification: Likely pathogenic for Retinitis pigmentosa 25. Last evaluated: 2023-07-25. Review status: criteria provided, single submitter. Criteria: ACMG Guidelines, 2015. Collection method: clinical testing. Allele origin: unknown.

Labcorp Genetics (formerly Invitae), Labcorp
Classification: Pathogenic. Last evaluated: 2023-06-29. Review status: criteria provided, single submitter. Criteria: Invitae Variant Classification Sherloc (09022015). Collection method: clinical testing. Allele origin: germline.
Comment: This variant has not been reported in the literature in individuals affected with EYS-related conditions. For these reasons, this variant has been classified as Pathogenic. ClinVar contains an entry for this variant (Variation ID: 1074625). This variant is not present in population databases (gnomAD no frequency). This sequence change creates a premature translational stop signal (p.Val2514Serfs*15) in the EYS gene. It is expected to result in an absent or disrupted protein product. Loss-of-function variants in EYS are known to be pathogenic (PMID: 18836446, 20333770).

Literature cited by the submitters: PubMed 18836446 (cited by Labcorp Genetics (formerly Invitae), Labcorp); PubMed 20333770 (cited by Labcorp Genetics (formerly Invitae), Labcorp).